The following is an entry in ClinVar:

NM_003002.4(SDHD):c.227T>C (p.Leu76Pro)

Gene: SDHD (succinate dehydrogenase complex subunit D; plus strand). Cytogenetic location: 11q23.1.
Variant type: single nucleotide variant.
Coding change: c.227T>C on transcript NM_003002.4 (MANE Select); coding-DNA position 227, T replaced by C.
Protein change: p.Leu76Pro; replaces leucine 76 with proline.
Molecular consequence: missense variant. On other transcripts: non-coding transcript variant (1), intron variant (1).
Genome position (GRCh38, 1-based): chr11:112,088,924, T>C. VCF-style: chr11-112088924-T-C. GRCh37 (hg19) VCF-style: chr11-111959648-T-C.
Other names: c.110T>C, p.Leu37Pro (NM_001276504.2); c.227T>C, p.Leu76Pro (NM_001276506.2); c.169+951T>C (NM_001276503.2); short protein forms L37P, L76P.
Identifiers: ClinVar variation 840151 (VCV000840151.9), dbSNP rs1865687896, ClinGen allele CA382617271.

ClinVar aggregate classification (germline): Uncertain significance (1 of 4 stars; one submission).

Conditions:
Cowden syndrome 3 (CWS3). Identifiers: Orphanet 201, MedGen CN166604, MONDO:0014045.
Carney-Stratakis syndrome. Also called: PARAGANGLIOMA AND GASTROINTESTINAL STROMAL TUMOR. Identifiers: Orphanet 97286, MedGen C1847319, MONDO:0011740, OMIM 606864.
Pheochromocytoma. Also called: MAX-Related Hereditary Paraganglioma-Pheochromocytoma Syndrome. Identifiers: Orphanet 29072, MedGen C0031511, MONDO:0008233, OMIM 171300, HP:0002666.
Paragangliomas with sensorineural hearing loss. Identifiers: MedGen C1868633.

Submission:

Labcorp Genetics (formerly Invitae), Labcorp
Classification: Uncertain significance for Carney-Stratakis syndrome; Paragangliomas with sensorineural hearing loss; Pheochromocytoma; Cowden syndrome 3. Last evaluated: 2025-05-27. Review status: criteria provided, single submitter. Criteria: Invitae Variant Classification Sherloc (09022015). Collection method: clinical testing. Allele origin: germline.
Comment: This sequence change replaces leucine, which is neutral and non-polar, with proline, which is neutral and non-polar, at codon 76 of the SDHD protein (p.Leu76Pro). This variant is not present in population databases (gnomAD no frequency). This variant has not been reported in the literature in individuals affected with SDHD-related conditions. ClinVar contains an entry for this variant (Variation ID: 840151). Invitae Evidence Modeling of protein sequence and biophysical properties (such as structural, functional, and spatial information, amino acid conservation, physicochemical variation, residue mobility, and thermodynamic stability) indicates that this missense variant is expected to disrupt SDHD protein function with a positive predictive value of 95%. In summary, the available evidence is currently insufficient to determine the role of this variant in disease. Therefore, it has been classified as a Variant of Uncertain Significance.